The following is an entry in ClinVar:

ClinVar aggregate classification (germline): Conflicting classifications of pathogenicity. Review status: criteria provided, conflicting classifications (1 of 4 stars). 3 submissions from 3 submitters: Uncertain significance (1); Benign (1); Likely benign (1). Last evaluated 2026-08-29.

Allele frequency attached by ClinVar (database versions not stated): TOPMed 0.00002; gnomAD exomes 0.00005; gnomAD 0.00006; ESP Exome Variant Server 0.00009; ExAC 0.00014; 1000 Genomes Project 30x 0.00016.
gnomAD v4.1: 75 of 1,560,910 alleles (0.0048%); highest among the groups gnomAD compares: South Asian, 0.0064%; no homozygotes.

Submissions (3):

GeneDx
Classification: Uncertain significance. Last evaluated: 2026-08-29. Review status: criteria provided, single submitter. Criteria: GeneDx Variant Classification Process June 2021. Collection method: clinical testing. Allele origin: germline.
Comment: In silico analysis suggests that this missense variant does not alter protein structure/function; Has not been previously published as pathogenic or benign to our knowledge

Labcorp Genetics (formerly Invitae), Labcorp
Classification: Likely benign. Last evaluated: 2025-11-01. Review status: criteria provided, single submitter. Criteria: Invitae Variant Classification Sherloc (09022015). Collection method: clinical testing. Allele origin: germline.

Blueprint Genetics
Classification: Benign. Last evaluated: 2020-08-12. Review status: criteria provided, single submitter. Criteria: ACMG Guidelines, 2015. Collection method: clinical testing. Allele origin: germline.

NM_032119.4(ADGRV1):c.17063G>A (p.Arg5688Gln)

Gene: ADGRV1 (adhesion G protein-coupled receptor V1; plus strand). Cytogenetic location: 5q14.3.
Variant type: single nucleotide variant.
Coding change: c.17063G>A on transcript NM_032119.4 (MANE Select); coding-DNA position 17063, G replaced by A.
Protein change: p.Arg5688Gln; replaces arginine 5688 with glutamine.
Molecular consequence: missense variant. On other transcripts: non-coding transcript variant (1).
Genome position (GRCh38, 1-based): chr5:90,848,680, G>A. VCF-style: chr5-90848680-G-A. GRCh37 (hg19) VCF-style: chr5-90144497-G-A.
Other names: c.17063G>A (NM_032119.3); short protein forms R5688Q.
Identifiers: ClinVar variation 1930247 (VCV001930247.8), dbSNP rs374682222, ClinGen allele CA3342285.